The following is an entry in ClinVar:

NM_000553.6(WRN):c.548A>C (p.His183Pro)

Gene: WRN (WRN RecQ like helicase; plus strand). Cytogenetic location: 8p12.
Variant type: single nucleotide variant.
Coding change: c.548A>C on transcript NM_000553.6 (MANE Select); coding-DNA position 548, A replaced by C.
Protein change: p.His183Pro; replaces histidine 183 with proline.
Molecular consequence: missense variant.
Genome position (GRCh38, 1-based): chr8:31,067,076, A>C. VCF-style: chr8-31067076-A-C. GRCh37 (hg19) VCF-style: chr8-30924592-A-C.
Other names: short protein forms H183P.
Identifiers: ClinVar variation 1438195 (VCV001438195.6), dbSNP rs746210769, ClinGen allele CA370916003.

ClinVar aggregate classification (germline): Uncertain significance (1 of 4 stars; one submission).

Conditions:
Werner syndrome (WRN). Identifiers: Orphanet 902, MedGen C0043119, MONDO:0010196, OMIM 277700.

gnomAD v4.1: 1 of 1,613,966 alleles (0.000062%); no homozygotes.

Submission:

Labcorp Genetics (formerly Invitae), Labcorp
Classification: Uncertain significance for Werner syndrome. Last evaluated: 2022-06-12. Review status: criteria provided, single submitter. Criteria: Invitae Variant Classification Sherloc (09022015). Collection method: clinical testing. Allele origin: germline.
Comment: This sequence change replaces histidine, which is basic and polar, with proline, which is neutral and non-polar, at codon 183 of the WRN protein (p.His183Pro). In summary, the available evidence is currently insufficient to determine the role of this variant in disease. Therefore, it has been classified as a Variant of Uncertain Significance. Algorithms developed to predict the effect of sequence changes on RNA splicing suggest that this variant may create or strengthen a splice site. Algorithms developed to predict the effect of missense changes on protein structure and function are either unavailable or do not agree on the potential impact of this missense change (SIFT: "Not Available"; PolyPhen-2: "Probably Damaging"; Align-GVGD: "Not Available"). This variant has not been reported in the literature in individuals affected with WRN-related conditions. This variant is not present in population databases (gnomAD no frequency).